The following is an entry in ClinVar:

ClinVar aggregate classification (germline): Benign. Review status: criteria provided, multiple submitters, no conflicts (2 of 4 stars). 3 submissions from 2 submitters: Benign (3). Last evaluated 2021-09-16.

Conditions:
Bardet-Biedl syndrome 11 (BBS11). Identifiers: Orphanet 110, MedGen C1859569, MONDO:0014439, OMIM 615988.
Sarcotubular myopathy (LGMDR8). Also called: Hutterite type of muscular dystrophy; Limb-girdle muscular dystrophy, type 2H; MUSCULAR DYSTROPHY, LIMB-GIRDLE, AUTOSOMAL RECESSIVE 8; Autosomal recessive limb-girdle muscular dystrophy type 2H. Identifiers: Orphanet 1878, MedGen C0270968, MONDO:0009683, OMIM 254110.

Allele frequency attached by ClinVar (database versions not stated): 1000 Genomes Project 0.01458; gnomAD 0.01553 and 0.01665; 1000 Genomes Project 30x 0.01608; TOPMed 0.01756.

Submissions (3):

GeneDx
Classification: Benign. Last evaluated: 2021-09-16. Review status: criteria provided, single submitter. Criteria: GeneDx Variant Classification Process June 2021. Collection method: clinical testing. Allele origin: germline. Affected: yes.

Illumina Laboratory Services, Illumina
Classification: Benign for Sarcotubular myopathy. Last evaluated: 2018-01-13. Review status: criteria provided, single submitter. Criteria: ICSL Variant Classification Criteria 13 December 2019. Collection method: clinical testing. Allele origin: germline.
Comment: This variant was observed in the ICSL laboratory as part of a predisposition screen in an ostensibly healthy population. It had not been previously curated by ICSL or reported in the Human Gene Mutation Database (HGMD: prior to June 1st, 2018), and was therefore a candidate for classification through an automated scoring system. Utilizing variant allele frequency, disease prevalence and penetrance estimates, and inheritance mode, an automated score was calculated to assess if this variant is too frequent to cause the disease. Based on the score and internal cut-off values, a variant classified as benign is not then subjected to further curation. The score for this variant resulted in a classification of benign for this disease.

Illumina Laboratory Services, Illumina
Classification: Benign for Bardet-Biedl syndrome 11. Last evaluated: 2018-01-13. Review status: criteria provided, single submitter. Criteria: ICSL Variant Classification Criteria 13 December 2019. Collection method: clinical testing. Allele origin: germline.
Comment: the same text as in the submission from Illumina Laboratory Services, Illumina above.

NM_012210.4(TRIM32):c.*845C>T

Genes: ASTN2 (astrotactin 2; minus strand), TRIM32 (tripartite motif containing 32; plus strand). Cytogenetic location: 9q33.1.
Variant type: single nucleotide variant.
Coding change: c.*845C>T on transcript NM_012210.4 (MANE Select); 845 bases downstream of the stop codon, C replaced by T.
Molecular consequence: 3 prime UTR variant. On other transcripts: intron variant (3).
Genome position (GRCh38, 1-based): chr9:116,700,549, C>T. VCF-style: chr9-116700549-C-T. GRCh37 (hg19) VCF-style: chr9-119462828-C-T.
Other names: c.*845C>T (NM_001099679.2, NM_001379048.1, NM_001379049.1 and 1 more transcripts); c.2653+25222G>A (NM_014010.5); c.2794+25222G>A (NM_001365069.1); c.2806+25222G>A (NM_001365068.1).
Identifiers: ClinVar variation 912894 (VCV000912894.5), dbSNP rs111309723, ClinGen allele CA198772539.